The following is an entry in ClinVar:

NM_000138.5(FBN1):c.509dup (p.Tyr170Ter)

Gene: FBN1 (fibrillin 1; minus strand). Cytogenetic location: 15q21.1.
Variant type: Duplication.
Coding change: c.509dup on transcript NM_000138.5 (MANE Select); coding-DNA position 509, one base duplicated (A; older notation c.509dupA).
Protein change: p.Tyr170Ter; replaces tyrosine 170 with a stop codon.
Molecular consequence: nonsense. On other transcripts: frameshift variant (2).
Genome position (GRCh38, 1-based): chr15:48,596,312, T duplicated on the plus strand (A on the coding strand, the reverse complement: FBN1 is on the minus strand). VCF-style (leftmost placement, unchanged base first): chr15-48596311-G-GT. GRCh37 (hg19) VCF-style: chr15-48888508-G-GT.
Other names: c.509dup, p.Tyr170Terfs (NM_001406716.1, NM_001406717.1); c.509dupA (NM_000138.5); short protein forms Y170*.
Identifiers: ClinVar variation 2137711 (VCV002137711.7), dbSNP rs2505754783, ClinGen allele CA2580089553.

ClinVar aggregate classification (germline): Pathogenic. Review status: criteria provided, multiple submitters, no conflicts (2 of 4 stars). 3 submissions from 3 submitters: Pathogenic (3). Last evaluated 2025-01-22.

Conditions:
Familial thoracic aortic aneurysm and aortic dissection (TAAD). Also called: Thoracic aortic aneurysms and dissections. Identifiers: Orphanet 91387, MedGen C4707243, MONDO:0019625.
Marfan syndrome (MFS). Also called: MARFAN SYNDROME, TYPE I; Marfan syndrome type 1; Marfan's syndrome; Marfan syndrome, classic; FBN1-Related Marfan Syndrome. Identifiers: Orphanet 284963, Orphanet 558, MedGen C0024796, MONDO:0007947, OMIM 154700.
Marfan Syndrome/Loeys-Dietz Syndrome/Familial Thoracic Aortic Aneurysms and Dissections. Identifiers: MedGen CN229799.
FBN1-related disorder. Also called: FBN1-related disorders.

Submissions (3):

Women's Health and Genetics/Laboratory Corporation of America, LabCorp
Classification: Pathogenic for Marfan Syndrome/Loeys-Dietz Syndrome/Familial Thoracic Aortic Aneurysms and Dissections. Last evaluated: 2025-01-22. Review status: criteria provided, single submitter. Criteria: LabCorp Variant Classification Summary - May 2015. Collection method: clinical testing. Allele origin: germline.
Comment: Variant summary: FBN1 c.509dupA (p.Tyr170X) results in a premature termination codon, predicted to cause a truncation of the encoded protein or absence of the protein due to nonsense mediated decay, which are commonly known mechanisms for disease. The variant was absent in 251382 control chromosomes. c.509dupA has been reported in the literature in individuals affected with Marfan Syndrome (Hung_2009). To our knowledge, no experimental evidence demonstrating an impact on protein function has been reported. The following publications have been ascertained in the context of this evaluation (PMID: 19839986). ClinVar contains an entry for this variant (Variation ID: 2137711). Based on the evidence outlined above, the variant was classified as pathogenic.

Labcorp Genetics (formerly Invitae), Labcorp
Classification: Pathogenic for Marfan syndrome; Familial thoracic aortic aneurysm and aortic dissection. Last evaluated: 2023-05-25. Review status: criteria provided, single submitter. Criteria: Invitae Variant Classification Sherloc (09022015). Collection method: clinical testing. Allele origin: germline.
Comment: For these reasons, this variant has been classified as Pathogenic. ClinVar contains an entry for this variant (Variation ID: 2137711). This variant is also known as c.509_510insA. This premature translational stop signal has been observed in individual(s) with Marfan syndrome (PMID: 19839986). This variant is not present in population databases (gnomAD no frequency). This sequence change creates a premature translational stop signal (p.Tyr170*) in the FBN1 gene. It is expected to result in an absent or disrupted protein product. Loss-of-function variants in FBN1 are known to be pathogenic (PMID: 17657824, 19293843).

Blueprint Genetics
Classification: Pathogenic for FBN1-related disorders. Last evaluated: 2021-11-17. Review status: criteria provided, single submitter. Criteria: ACMG Guidelines, 2015. Collection method: clinical testing. Allele origin: germline. Affected: yes. Observed: 1 variant allele.

Literature cited by the submitters: PubMed 19328768 (cited by Women's Health and Genetics/Laboratory Corporation of America, LabCorp); PubMed 19839986 (cited by Women's Health and Genetics/Laboratory Corporation of America, LabCorp and Labcorp Genetics (formerly Invitae), Labcorp); PubMed 17657824 (cited by Labcorp Genetics (formerly Invitae), Labcorp); PubMed 19293843 (cited by Labcorp Genetics (formerly Invitae), Labcorp).